The following is an entry in ClinVar:

ClinVar aggregate classification (germline): Pathogenic (1 of 4 stars; one submission).

Conditions:
Ullrich congenital muscular dystrophy 2 (UCMD2). Identifiers: Orphanet 75840, MedGen C4225314, MONDO:0014654, OMIM 616470.
Bethlem myopathy 2 (BTHLM2). Identifiers: Orphanet 536516, Orphanet 610, MedGen C4225313, MONDO:0034022, OMIM 616471.

Submission:

Labcorp Genetics (formerly Invitae), Labcorp
Classification: Pathogenic for Bethlem myopathy 2; Ullrich congenital muscular dystrophy 2. Last evaluated: 2022-11-04. Review status: criteria provided, single submitter. Criteria: Invitae Variant Classification Sherloc (09022015). Collection method: clinical testing. Allele origin: germline.
Comment: This variant is not present in population databases (gnomAD no frequency). For these reasons, this variant has been classified as Pathogenic. This variant has not been reported in the literature in individuals affected with COL12A1-related conditions. This sequence change creates a premature translational stop signal (p.Ser19Leufs*13) in the COL12A1 gene. It is expected to result in an absent or disrupted protein product. Loss-of-function variants in COL12A1 are known to be pathogenic (PMID: 24334604, 28973083).

Literature cited by the submitters: PubMed 24334604; PubMed 28973083.

NM_004370.6(COL12A1):c.54del (p.Ser19fs)

Gene: COL12A1 (collagen type XII alpha 1 chain; minus strand). Cytogenetic location: 6q14.1.
Variant type: Deletion.
Coding change: c.54del on transcript NM_004370.6 (MANE Select); coding-DNA position 54, one base deleted (G; older notation c.54delG).
Protein change: p.Ser19fs; shifts the reading frame from serine 19.
Molecular consequence: frameshift variant.
Genome position (GRCh38, 1-based): chr6:75,202,739, C deleted on the plus strand (G on the coding strand, the reverse complement: COL12A1 is on the minus strand). VCF-style (leftmost placement, unchanged base first): chr6-75202738-AC-A. GRCh37 (hg19) VCF-style: chr6-75912454-AC-A.
Other names: c.54del, p.Ser19fs (NM_001424113.1, NM_001424114.1, NM_001424115.1 and 2 more transcripts); short protein forms S19fs.
Identifiers: ClinVar variation 2926409 (VCV002926409.3), dbSNP rs2533666439, ClinGen allele CA2578672200.